The following is an entry in ClinVar:

NM_001243279.3(ACSF3):c.828G>A (p.Trp276Ter)

Gene: ACSF3 (acyl-CoA synthetase family member 3; plus strand). Cytogenetic location: 16q24.3.
Variant type: single nucleotide variant.
Coding change: c.828G>A on transcript NM_001243279.3 (MANE Select); coding-DNA position 828, G replaced by A.
Protein change: p.Trp276Ter; replaces tryptophan 276 with a stop codon.
Molecular consequence: nonsense. On other transcripts: non-coding transcript variant (3).
Genome position (GRCh38, 1-based): chr16:89,112,097, G>A. VCF-style: chr16-89112097-G-A. GRCh37 (hg19) VCF-style: chr16-89178505-G-A.
Other names: c.828G>A, p.Trp276Ter (NM_001127214.4, NM_174917.5); c.33G>A, p.Trp11Ter (NM_001284316.2); short protein forms W276*, W11*.
Identifiers: ClinVar variation 646673 (VCV000646673.6), dbSNP rs570233664, ClinGen allele CA397139087.

ClinVar aggregate classification (germline): Pathogenic/Likely pathogenic. Review status: criteria provided, multiple submitters, no conflicts (2 of 4 stars). 2 submissions from 2 submitters: Pathogenic (1); Likely pathogenic (1). Last evaluated 2024-03-25.

Conditions:
Combined malonic and methylmalonic acidemia. Identifiers: Orphanet 289504, MedGen C3280314, MONDO:0013661, OMIM 614265.

Submissions (2):

Fulgent Genetics
Classification: Likely pathogenic for Combined malonic and methylmalonic acidemia. Last evaluated: 2024-03-25. Review status: criteria provided, single submitter. Criteria: ACMG Guidelines, 2015. Collection method: clinical testing. Allele origin: germline.

Labcorp Genetics (formerly Invitae), Labcorp
Classification: Pathogenic for Combined malonic and methylmalonic acidemia. Last evaluated: 2022-01-16. Review status: criteria provided, single submitter. Criteria: Invitae Variant Classification Sherloc (09022015). Collection method: clinical testing. Allele origin: germline.
Comment: For these reasons, this variant has been classified as Pathogenic. ClinVar contains an entry for this variant (Variation ID: 646673). This variant has not been reported in the literature in individuals affected with ACSF3-related conditions. This variant is present in population databases (no rsID available, gnomAD 0.001%). This sequence change creates a premature translational stop signal (p.Trp276*) in the ACSF3 gene. It is expected to result in an absent or disrupted protein product. Loss-of-function variants in ACSF3 are known to be pathogenic (PMID: 21841779, 26827111).

Literature cited by the submitters: PubMed 21841779 (cited by Labcorp Genetics (formerly Invitae), Labcorp); PubMed 26827111 (cited by Labcorp Genetics (formerly Invitae), Labcorp).